The following is an entry in ClinVar:

ClinVar aggregate classification (germline): Uncertain significance. Review status: criteria provided, multiple submitters, no conflicts (2 of 4 stars). 3 submissions from 3 submitters: Uncertain significance (3). Last evaluated 2026-03-09.

Conditions:
Hereditary cancer-predisposing syndrome. Also called: Neoplastic Syndromes, Hereditary; Tumor predisposition; Hereditary neoplastic syndrome; Hereditary Cancer Syndrome. Identifiers: Orphanet 140162, MedGen C0027672, MeSH D009386, MONDO:0015356.
Familial cancer of breast. Also called: Hereditary breast cancer; BREAST CANCER, FAMILIAL; hereditary breast carcinoma. Identifiers: Orphanet 227535, MedGen C0346153, MONDO:0016419, OMIM 114480. Disease mechanism: loss of function.

Submissions (3):

Ambry Genetics
Classification: Uncertain significance for Hereditary cancer-predisposing syndrome. Last evaluated: 2026-03-09. Review status: criteria provided, single submitter. Criteria: Ambry Variant Classification Scheme 2023. Collection method: clinical testing. Allele origin: germline.
Comment: The p.Q285R variant (also known as c.854A>G), located in coding exon 4 of the BARD1 gene, results from an A to G substitution at nucleotide position 854. The glutamine at codon 285 is replaced by arginine, an amino acid with highly similar properties. This amino acid position is conserved. In addition, this alteration is predicted to be tolerated by in silico analysis. Based on the available evidence, the clinical significance of this variant remains unclear.

Labcorp Genetics (formerly Invitae), Labcorp
Classification: Uncertain significance for Familial cancer of breast. Last evaluated: 2023-09-04. Review status: criteria provided, single submitter. Criteria: Invitae Variant Classification Sherloc (09022015). Collection method: clinical testing. Allele origin: germline.
Comment: This variant has not been reported in the literature in individuals affected with BARD1-related conditions. In summary, the available evidence is currently insufficient to determine the role of this variant in disease. Therefore, it has been classified as a Variant of Uncertain Significance. An algorithm developed to predict the effect of missense changes on protein structure and function (PolyPhen-2) suggests that this variant is likely to be tolerated. ClinVar contains an entry for this variant (Variation ID: 967024). This variant is not present in population databases (gnomAD no frequency). This sequence change replaces glutamine, which is neutral and polar, with arginine, which is basic and polar, at codon 285 of the BARD1 protein (p.Gln285Arg).

Blueprint Genetics
Classification: Uncertain significance. Last evaluated: 2021-06-03. Review status: criteria provided, single submitter. Criteria: ACMG Guidelines, 2015. Collection method: clinical testing. Allele origin: germline.

NM_000465.4(BARD1):c.854A>G (p.Gln285Arg)

Gene: BARD1 (BRCA1 associated RING domain 1; minus strand). Cytogenetic location: 2q35.
Variant type: single nucleotide variant.
Coding change: c.854A>G on transcript NM_000465.4 (MANE Select); coding-DNA position 854, A replaced by G.
Protein change: p.Gln285Arg; replaces glutamine 285 with arginine.
Molecular consequence: missense variant. On other transcripts: non-coding transcript variant (2), intron variant (3).
Genome position (GRCh38, 1-based): chr2:214,781,020, T>C on the plus strand (A>G on the coding strand, the complement: BARD1 is on the minus strand). VCF-style: chr2-214781020-T-C. GRCh37 (hg19) VCF-style: chr2-215645744-T-C.
Other names: c.797A>G, p.Gln266Arg (NM_001282543.2); c.158+28392A>G (NM_001282548.2); c.215+16041A>G (NM_001282545.2); c.364+11277A>G (NM_001282549.2); c.854A>G (NM_000465.2); short protein forms Q285R, Q266R.
Identifiers: ClinVar variation 967024 (VCV000967024.12), dbSNP rs1694987314, ClinGen allele CA350455221.